The following is an entry in ClinVar:

ClinVar aggregate classification (germline): Pathogenic/Likely pathogenic. Review status: criteria provided, multiple submitters, no conflicts (2 of 4 stars). 5 submissions from 5 submitters: Pathogenic (2); Likely pathogenic (2). 1 of the submissions does not count toward it. Last evaluated 2024-10-08.

Conditions:
CFTR-related disorder (CFTR-RD). Also called: CFTR-related condition; CFTR-related disorders. Identifiers: MedGen C5924204, MONDO:7770004.
Cystic fibrosis (CF). Also called: MUCOVISCIDOSIS. Identifiers: Orphanet 586, MedGen C0010674, MONDO:0009061, OMIM 219700. Disease mechanism: loss of function.

Submissions (5):

Natera, Inc.
Classification: Likely pathogenic for CFTR-related disorders. Last evaluated: 2024-10-08. Review status: criteria provided, single submitter. Criteria: Natera Variant Classification Schema (03/2026). Collection method: clinical testing. Allele origin: germline.
Comment: The c.3410T>G variant in CFTR is a missense variant predicted to cause substitution of methionine to arginine at amino acid 1137. This variant is rare in the general population with a frequency below the threshold expected for the associated phenotype(s). This variant has been observed in one or more individuals affected with the associated recessive disease, as either homozygous or compound heterozygous with a second variant (PMID: 15480987, 32747394, 28830496). A different variant at the same position has been determined to be Pathogenic or Likely Pathogenic. Computational prediction algorithms indicate this variant is likely to affect gene or protein function. Given the available evidence, this variant is classified as Likely Pathogenic.

Institute of Human Genetics, University of Leipzig Medical Center
Classification: Likely pathogenic for Cystic fibrosis. Last evaluated: 2022-09-05. Review status: criteria provided, single submitter. Criteria: ACMG Guidelines, 2015. Collection method: curation. Allele origin: unknown. Affected: yes. Observed: 1 variant allele.
Comment: The variant was classified in the context of a project re-classifying variants in the German Cystic Fibrosis Registry (Muko.e.V.). Criteria applied: PS3_SUP, PM3, PM2_SUP, PM5, PP3, PP4

Mendelics
Classification: Pathogenic for Cystic fibrosis. Last evaluated: 2022-05-20. Review status: criteria provided, single submitter. Criteria: Mendelics Assertion Criteria 2017. Collection method: clinical testing. Allele origin: unknown. Affected: yes.

CFTR-France
Classification: Pathogenic for cystic fibrosis. Last evaluated: 2015-07-03. Review status: criteria provided, single submitter. Criteria: Claustres M et al. (Hum Mutat 2017). Collection method: curation. Allele origin: germline. Affected: yes.

ClinVar Staff, National Center for Biotechnology Information (NCBI)
No classification provided. Condition: CFTR-related disorders. Review status: no classification provided. Collection method: literature only. Allele origin: germline. Affected: yes. Not counted in ClinVar's aggregate classification.

Literature cited by the submitters: PubMed 15480987 (cited by Natera, Inc. and ClinVar Staff, National Center for Biotechnology Information (NCBI)); PubMed 32747394 (cited by Natera, Inc.); PubMed 28830496 (cited by Natera, Inc.); PubMed 9804160 (cited by ClinVar Staff, National Center for Biotechnology Information (NCBI)).

NM_000492.4(CFTR):c.3410T>G (p.Met1137Arg)

Genes: CFTR (CF transmembrane conductance regulator; plus strand), CFTR-AS2 (CFTR antisense RNA 2; minus strand). Cytogenetic location: 7q31.2.
Variant type: single nucleotide variant.
Coding change: c.3410T>G on transcript NM_000492.4 (MANE Select); coding-DNA position 3410, T replaced by G.
Protein change: p.Met1137Arg; replaces methionine 1137 with arginine.
Molecular consequence: missense variant.
Genome position (GRCh38, 1-based): chr7:117,614,655, T>G. VCF-style: chr7-117614655-T-G. GRCh37 (hg19) VCF-style: chr7-117254709-T-G.
Other names: short protein forms M1137R.
Identifiers: ClinVar variation 53735 (VCV000053735.7), dbSNP rs397508555, ClinGen allele CA327172.
Genomic context (GRCh38, chr7:117,614,655, plus strand): 5'-TCTTTTGTGCATCTATAGGAGAAGGAGAAGGAAGAGTTGGTATTATCCTGACTTTAGCCA[T>G]GAATATCATGAGTACATTGCAGTGGGCTGTAAACTCCAGCATAGATGTGGATAGCTTGGT-3'
Protein context (NP_000483.3, residues 1127-1147): GRVGIILTLA[Met1137Arg]NIMSTLQWAV